The following is an entry in ClinVar:

ClinVar aggregate classification (germline): Pathogenic (1 of 4 stars; one submission).

Submission:

GeneDx
Classification: Pathogenic. Last evaluated: 2017-08-02. Review status: criteria provided, single submitter. Criteria: GeneDx Variant Classification (06012015). Collection method: clinical testing. Allele origin: germline. Affected: yes.
Comment: The c.51_54dupGCCA variant in the PEX12 gene has not been reported previously as a pathogenic variant nor as a benign variant, to our knowledge. The c.51_54dupGCCA variant causes a frameshift starting with codon Serine 19, changes this amino acid to an Alanine residue, and creates a premature Stop codon at position 5 of the new reading frame, denoted p.Ser19AlafsX5. This variant is predicted to cause loss of normal protein function either through protein truncation or nonsense-mediated mRNA decay. The c.51_54dupGCCA variant was not observed in approximately 6500 individuals of European and African American ancestry in the NHLBI Exome Sequencing Project, indicating it is not a common benign variant in these populations. We interpret c.51_54dupGCCA as a pathogenic variant.

NM_000286.3(PEX12):c.51_54dup (p.Ser19fs)

Gene: PEX12 (peroxisomal biogenesis factor 12; minus strand). Cytogenetic location: 17q12.
Variant type: Duplication.
Coding change: c.51_54dup on transcript NM_000286.3 (MANE Select); coding-DNA positions 51 to 54, 4 bases duplicated (GCCA; older notation c.51_54dupGCCA).
Protein change: p.Ser19fs; shifts the reading frame from serine 19.
Molecular consequence: frameshift variant.
Genome position (GRCh38, 1-based): chr17:35,577,968-35,577,971, TGGC duplicated on the plus strand (GCCA on the coding strand, the reverse complement: PEX12 is on the minus strand); duplicating any 4 consecutive bases within chr17:35,577,968-35,577,974 gives the same sequence; the c. name uses the placement nearest the transcript's 3' end. VCF-style (leftmost placement, unchanged base first): chr17-35577967-A-ATGGC. GRCh37 (hg19) VCF-style: chr17-33904986-A-ATGGC.
Other names: short protein forms S19fs.
Identifiers: ClinVar variation 280211 (VCV000280211.2), dbSNP rs886041458, ClinGen allele CA10603373.